The following is an entry in ClinVar:

ClinVar aggregate classification (germline): Likely benign. Review status: criteria provided, multiple submitters, no conflicts (2 of 4 stars). 2 submissions from 2 submitters: Likely benign (2). Last evaluated 2026-01-24.

Allele frequency attached by ClinVar (database versions not stated): gnomAD 0.00011; gnomAD exomes 0.00012 and 0.00026; TOPMed 0.00017; ExAC 0.00024; ESP Exome Variant Server 0.00031.
gnomAD v4.1: 206 of 1,613,976 alleles (0.013%); highest among the groups gnomAD compares: Middle Eastern, 0.016%; no homozygotes.

Submissions (2):

Labcorp Genetics (formerly Invitae), Labcorp
Classification: Likely benign. Last evaluated: 2026-01-24. Review status: criteria provided, single submitter. Criteria: Invitae Variant Classification Sherloc (09022015). Collection method: clinical testing. Allele origin: germline.

CeGaT Center for Human Genetics Tuebingen
Classification: Likely benign. Last evaluated: 2023-05-01. Review status: criteria provided, single submitter. Criteria: CeGaT Center For Human Genetics Tuebingen Variant Classification Criteria Version 2. Collection method: clinical testing. Allele origin: germline. Affected: yes. Observed: 1 variant allele.
Comment: MTHFD1: BP4

NM_005956.4(MTHFD1):c.599C>T (p.Ala200Val)

Gene: MTHFD1 (methylenetetrahydrofolate dehydrogenase, cyclohydrolase and formyltetrahydrofolate synthetase 1; plus strand). Cytogenetic location: 14q23.3.
Variant type: single nucleotide variant.
Coding change: c.599C>T on transcript NM_005956.4 (MANE Select); coding-DNA position 599, C replaced by T.
Protein change: p.Ala200Val; replaces alanine 200 with valine.
Molecular consequence: missense variant.
Genome position (GRCh38, 1-based): chr14:64,418,008, C>T. VCF-style: chr14-64418008-C-T. GRCh37 (hg19) VCF-style: chr14-64884726-C-T.
Other names: c.599C>T, p.Ala200Val (NM_001364837.1); short protein forms A200V.
Identifiers: ClinVar variation 713367 (VCV000713367.36), dbSNP rs199501976, ClinGen allele CA7225991.